The following is an entry in ClinVar:

NM_000203.5(IDUA):c.1039A>C (p.Ser347Arg)

Gene: IDUA (alpha-L-iduronidase; plus strand). Cytogenetic location: 4p16.3.
Variant type: single nucleotide variant.
Coding change: c.1039A>C on transcript NM_000203.5 (MANE Select); coding-DNA position 1039, A replaced by C.
Protein change: p.Ser347Arg; replaces serine 347 with arginine.
Molecular consequence: missense variant. On other transcripts: non-coding transcript variant (1).
Genome position (GRCh38, 1-based): chr4:1,002,335, A>C. VCF-style: chr4-1002335-A-C. GRCh37 (hg19) VCF-style: chr4-996123-A-C.
Other names: c.1039A>C (NM_000203.3); c.643A>C, p.Ser215Arg (NM_001363576.1); short protein forms S215R, S347R.
Identifiers: ClinVar variation 1067172 (VCV001067172.12), dbSNP rs2153022349, ClinGen allele CA355963126.

ClinVar aggregate classification (germline): Conflicting classifications of pathogenicity. Review status: criteria provided, conflicting classifications (1 of 4 stars). 3 submissions from 3 submitters: Likely pathogenic (2); Uncertain significance (1). Last evaluated 2025-10-21.

Conditions:
Mucopolysaccharidosis type 1. Also called: Mucopolysaccharidosis Type I; IDUA deficiency; MPS I. Identifiers: Orphanet 579, MedGen C0023786, MONDO:0001586.

Submissions (3):

Women's Health and Genetics/Laboratory Corporation of America, LabCorp
Classification: Likely pathogenic for Mucopolysaccharidosis type 1. Last evaluated: 2025-10-21. Review status: criteria provided, single submitter. Criteria: LabCorp Variant Classification Summary - May 2015. Collection method: clinical testing. Allele origin: germline.
Comment: Variant summary: IDUA c.1039A>C (p.Ser347Arg) results in a non-conservative amino acid change in the encoded protein sequence. Algorithms developed to predict the effect of missense changes on protein structure and function all suggest that this variant is likely to be disruptive. The variant was absent in 248336 control chromosomes. c.1039A>C has been observed in the homozygous and compound heterozygous state in individuals affected with Mucopolysaccharidosis Type 1 (Clarke_2019, Raiman_2014). These data indicate that the variant is likely to be associated with disease. To our knowledge, no experimental evidence demonstrating an impact on protein function has been reported. The following publications have been ascertained in the context of this evaluation (PMID: 31194252, 25102484). ClinVar contains an entry for this variant (Variation ID: 1067172). Based on the evidence outlined above, the variant was classified as likely pathogenic.

Revvity Omics, Revvity
Classification: Uncertain significance. Last evaluated: 2021-11-15. Review status: criteria provided, single submitter. Criteria: ACMG Guidelines, 2015. Collection method: clinical testing. Allele origin: germline.

Labcorp Genetics (formerly Invitae), Labcorp
Classification: Likely pathogenic for Mucopolysaccharidosis type 1. Last evaluated: 2020-08-07. Review status: criteria provided, single submitter. Criteria: Invitae Variant Classification Sherloc (09022015). Collection method: clinical testing. Allele origin: germline.
Comment: In summary, the currently available evidence indicates that the variant is pathogenic, but additional data are needed to prove that conclusively. Therefore, this variant has been classified as Likely Pathogenic. Advanced modeling of protein sequence and biophysical properties (such as structural, functional, and spatial information, amino acid conservation, physicochemical variation, residue mobility, and thermodynamic stability) performed at Invitae indicates that this missense variant is expected to disrupt IDUA protein function. This variant has been observed in individual(s) with IDUA-related conditions (PMID: 25102484, 31194252). This variant is not present in population databases (ExAC no frequency). This sequence change replaces serine with arginine at codon 347 of the IDUA protein (p.Ser347Arg). The serine residue is moderately conserved and there is a moderate physicochemical difference between serine and arginine.

Literature cited by the submitters: PubMed 31194252 (cited by Women's Health and Genetics/Laboratory Corporation of America, LabCorp and Labcorp Genetics (formerly Invitae), Labcorp); PubMed 25102484 (cited by Women's Health and Genetics/Laboratory Corporation of America, LabCorp and Labcorp Genetics (formerly Invitae), Labcorp).